The following is an entry in ClinVar:

NM_031471.6(FERMT3):c.1584C>T (p.Ala528=)

Gene: FERMT3 (FERM domain containing kindlin 3; plus strand). Cytogenetic location: 11q13.1.
Variant type: single nucleotide variant.
Coding change: c.1584C>T on transcript NM_031471.6 (MANE Select); coding-DNA position 1584, C replaced by T.
Protein change: p.Ala528=; no amino-acid change (alanine 528 retained).
Molecular consequence: synonymous variant.
Genome position (GRCh38, 1-based): chr11:64,221,054, C>T. VCF-style: chr11-64221054-C-T. GRCh37 (hg19) VCF-style: chr11-63988526-C-T.
Other names: c.1584C>T (NM_031471.5); c.1584C>T, p.Ala528= (NM_001382361.1, NM_001382448.1); c.1596C>T, p.Ala532= (NM_001382362.1, NM_178443.3); c.1044C>T, p.Ala348= (NM_001382363.1); c.1056C>T, p.Ala352= (NM_001382364.1).
Identifiers: ClinVar variation 1150447 (VCV001150447.11), dbSNP rs371831924, ClinGen allele CA6069221.

ClinVar aggregate classification (germline): Likely benign. Review status: criteria provided, multiple submitters, no conflicts (2 of 4 stars). 3 submissions from 3 submitters: Likely benign (3). Last evaluated 2025-07-13.

Conditions:
Leukocyte adhesion deficiency 3. Also called: Leukocyte adhesion deficiency, type III; INTEGRIN ACTIVATION DEFICIENCY DISEASE; LEUKOCYTE ADHESION DEFICIENCY 1 VARIANT. Identifiers: Orphanet 2968, Orphanet 99844, MedGen C2748536, MONDO:0013016, OMIM 612840.
FERMT3-related disorder. Also called: FERMT3-related condition.

Allele frequency attached by ClinVar (database versions not stated): gnomAD 0.00002 and 0.00003; TOPMed 0.00003; gnomAD exomes 0.00004 and 0.00006; ExAC 0.00006; ESP Exome Variant Server 0.00008; 1000 Genomes Project 0.00020; 1000 Genomes Project 30x 0.00031.
gnomAD v4.1: 69 of 1,612,816 alleles (0.0043%); highest among the groups gnomAD compares: Middle Eastern, 0.082%; no homozygotes.

Submissions (3):

PreventionGenetics, part of Exact Sciences
Classification: Likely benign for FERMT3-related condition. Last evaluated: 2025-07-13. Review status: criteria provided, single submitter. Criteria: ACMG Guidelines, 2015. Collection method: clinical testing. Allele origin: germline.
Comment: This variant is classified as likely benign based on ACMG/AMP sequence variant interpretation guidelines (Richards et al. 2015 PMID: 25741868, with internal and published modifications).

Labcorp Genetics (formerly Invitae), Labcorp
Classification: Likely benign for Leukocyte adhesion deficiency 3. Last evaluated: 2025-03-24. Review status: criteria provided, single submitter. Criteria: Invitae Variant Classification Sherloc (09022015). Collection method: clinical testing. Allele origin: germline.

Blueprint Genetics
Classification: Likely benign. Last evaluated: 2024-09-16. Review status: criteria provided, single submitter. Criteria: ACMG Guidelines, 2015. Collection method: clinical testing. Allele origin: germline.